The following is an entry in ClinVar:

NC_000011.10:g.34436683_34439157dup

Variant type: Duplication.
Genome position: GRCh38: chr11:34,436,683-34,439,157. GRCh37 (hg19): chr11:34,458,230-34,460,704.
Identifiers: ClinVar variation 157201 (VCV000157201.2), ClinGen allele CA10575656.

ClinVar aggregate classification (germline): not provided (0 of 4 stars; one submission).

Conditions:
Gestational diabetes mellitus uncontrolled. Identifiers: MedGen C3532257.

Submission:

Institute of Molecular and Cell Biology, University of Tartu
No classification provided. Condition: Gestational diabetes mellitus uncontrolled. Review status: no classification provided. Collection method: case-control. Allele origin: unknown. Affected: yes. Study: Kasak2014.
Comment: The study aimed to determine the contribution of copy number variants in the genetic etiology of normal and complicated pregnancies. The samples represented (i) maternal blood DNA drawn from healthy pregnant women during 1st or 2nd trimester and (ii) maternal and paternal blood DNA drawn at term pregnancy cases representing normal and complicated gestations (severe preeclampsia, PE; gestational diabetes, GD; small-for-gestational age newborn, SGA; large-for-gestational age newborn, LGA). We performed CNV calling based on genome-wide genotyping dataset (Illumina HumanOmniExpress-24-v1 BeadChip) by applying three algorithms, QuantiSNP, GADA (Genome Alteration Detection Algorithm) and CNstream in parallel. The acquired CNV calls were merged with HD-CNV (Hotspot Detector for Copy Number Variants) program and only the CNVs predicted by at least two programs, were considered in subsequent analysis.

Literature cited by the submitters: PubMed 25666259.